The following is an entry in ClinVar:

ClinVar aggregate classification (germline): Uncertain significance (1 of 4 stars; one submission).

Conditions:
TRIO-related disorder. Also called: TRIO-related disorders; TRIO-related condition.

gnomAD v4.1: 2 of 1,614,004 alleles (0.00012%); highest among the groups gnomAD compares: Admixed American, 0.0033%; no homozygotes.

Submission:

PreventionGenetics, part of Exact Sciences
Classification: Uncertain significance for TRIO-related condition. Last evaluated: 2026-07-27. Review status: criteria provided, single submitter. Criteria: ACMG Guidelines, 2015. Collection method: clinical testing. Allele origin: germline.
Comment: The TRIO c.187A>C variant is predicted to result in the amino acid substitution p.Met63Leu. To our knowledge, this variant has not been reported in the literature. This variant is reported in 0.0029% of alleles in individuals of Latino descent in gnomAD. At this time, the clinical significance of this variant is uncertain due to the absence of conclusive functional and genetic evidence.

NM_007118.4(TRIO):c.187A>C (p.Met63Leu)

Gene: TRIO (trio Rho guanine nucleotide exchange factor; plus strand). Cytogenetic location: 5p15.2.
Variant type: single nucleotide variant.
Coding change: c.187A>C on transcript NM_007118.4 (MANE Select); coding-DNA position 187, A replaced by C.
Protein change: p.Met63Leu; replaces methionine 63 with leucine.
Molecular consequence: missense variant. On other transcripts: non-coding transcript variant (1).
Genome position (GRCh38, 1-based): chr5:14,270,854, A>C. VCF-style: chr5-14270854-A-C. GRCh37 (hg19) VCF-style: chr5-14270963-A-C.
Other names: short protein forms M63L.
Identifiers: ClinVar variation 4987362 (VCV004987362.1).